The following is an entry in ClinVar:

NM_002415.2(MIF):c.224C>T (p.Ser75Phe)

Genes: MIF (macrophage migration inhibitory factor; plus strand), MIF-AS1 (MIF antisense RNA 1; minus strand). Cytogenetic location: 22q11.23.
Variant type: single nucleotide variant.
Coding change: c.224C>T on transcript NM_002415.2 (MANE Select); coding-DNA position 224, C replaced by T.
Protein change: p.Ser75Phe; replaces serine 75 with phenylalanine.
Molecular consequence: missense variant. On other transcripts: non-coding transcript variant (1).
Genome position (GRCh38, 1-based): chr22:23,894,887, C>T. VCF-style: chr22-23894887-C-T. GRCh37 (hg19) VCF-style: chr22-24237074-C-T.
Other names: short protein forms S75F.
Identifiers: ClinVar variation 3049829 (VCV003049829.2), dbSNP rs182012324, ClinGen allele CA10147404.

ClinVar aggregate classification (germline): Likely benign (0 of 4 stars; one submission).

Conditions:
MIF-related disorder. Also called: MIF-related condition.

Allele frequency attached by ClinVar (database versions not stated): 1000 Genomes Project 30x 0.00031; 1000 Genomes Project 0.00040; ESP Exome Variant Server 0.00060; TOPMed 0.00113; gnomAD 0.00128; ExAC 0.00319.
gnomAD v4.1: 2,370 of 1,553,982 alleles (0.15%); highest among the groups gnomAD compares: Middle Eastern, 0.52%; 5 homozygotes.

Submission:

PreventionGenetics, part of Exact Sciences
Classification: Likely benign for MIF-related condition. Last evaluated: 2022-02-03. Review status: no assertion criteria provided. Collection method: clinical testing. Allele origin: germline.
Comment: This variant is classified as likely benign based on ACMG/AMP sequence variant interpretation guidelines (Richards et al. 2015 PMID: 25741868, with internal and published modifications).